The following is an entry in ClinVar:

ClinVar aggregate classification (germline): Likely benign (1 of 4 stars; one submission).

Allele frequency attached by ClinVar (database versions not stated): 1000 Genomes Project 30x 0.00156; 1000 Genomes Project 0.00180; gnomAD 0.00665.
gnomAD v4.1: 884 of 133,774 alleles (0.66%); highest among the groups gnomAD compares: Non-Finnish European, 0.68%; 118 homozygotes.

Submission:

CeGaT Center for Human Genetics Tuebingen
Classification: Likely benign. Last evaluated: 2022-11-01. Review status: criteria provided, single submitter. Criteria: CeGaT Center For Human Genetics Tuebingen Variant Classification Criteria Version 2. Collection method: clinical testing. Allele origin: germline. Affected: yes. Observed: 1 variant allele.
Comment: CFHR1: BS2

NM_002113.3(CFHR1):c.607+800G>A

Gene: CFHR1 (complement factor H related 1; plus strand). Cytogenetic location: 1q31.3.
Variant type: single nucleotide variant.
Coding change: c.607+800G>A on transcript NM_002113.3 (MANE Select); 800 bases into the intron after coding-DNA position 607, G replaced by A.
Molecular consequence: intron variant.
Genome position (GRCh38, 1-based): chr1:196,829,046, G>A. VCF-style: chr1-196829046-G-A. GRCh37 (hg19) VCF-style: chr1-196798176-G-A.
Other names: c.403+800G>A (NM_001379311.1); c.556+800G>A (NM_001379306.1); c.445+800G>A (NM_001379307.1); c.442+800G>A (NM_001379308.1); c.439+800G>A (NM_001379309.1); c.412+800G>A (NM_001379310.1); c.364+800G>A (NM_001379312.1).
Identifiers: ClinVar variation 2639695 (VCV002639695.24), dbSNP rs190883096, ClinGen allele CA35826218.